The following is an entry in ClinVar:

ClinVar aggregate classification (germline): Likely benign. Review status: criteria provided, multiple submitters, no conflicts (2 of 4 stars). 2 submissions from 2 submitters: Likely benign (2). Last evaluated 2026-07-07.

Conditions:
Rhabdoid tumor predisposition syndrome 2 (RTPS2). Identifiers: Orphanet 231108, Orphanet 69077, MedGen C2750074, MONDO:0013224, OMIM 613325.

Allele frequency attached by ClinVar (database versions not stated): gnomAD 0.00001; TOPMed 0.00001; gnomAD exomes below 0.00001; ExAC 0.00001.
gnomAD v4.1: 2 of 1,592,614 alleles (0.00013%); highest among the groups gnomAD compares: East Asian, 0.0022%; no homozygotes.

Submissions (2):

Myriad Genetics, Inc.
Classification: Likely benign for Rhabdoid tumor predisposition syndrome 2. Last evaluated: 2026-07-07. Review status: criteria provided, single submitter. Criteria: Myriad Autosomal Dominant, Autosomal Recessive and X-Linked Classification Criteria (2023). Collection method: clinical testing. Allele origin: unknown.
Comment: This variant is considered likely benign. This variant is intronic and is not expected to impact mRNA splicing.

Labcorp Genetics (formerly Invitae), Labcorp
Classification: Likely benign for Rhabdoid tumor predisposition syndrome 2. Last evaluated: 2025-08-21. Review status: criteria provided, single submitter. Criteria: Invitae Variant Classification Sherloc (09022015). Collection method: clinical testing. Allele origin: germline.

NM_003072.5(SMARCA4):c.2974-12T>C

Gene: SMARCA4 (SWI/SNF related BAF chromatin remodeling complex subunit ATPase 4; plus strand). Cytogenetic location: 19p13.2.
Variant type: single nucleotide variant.
Coding change: c.2974-12T>C on transcript NM_003072.5 (MANE Select); 12 bases into the intron before coding-DNA position 2974, T replaced by C.
Molecular consequence: intron variant.
Genome position (GRCh38, 1-based): chr19:11,024,319, T>C. VCF-style: chr19-11024319-T-C. GRCh37 (hg19) VCF-style: chr19-11134995-T-C.
Other names: c.2974-12T>C (NM_001128844.3, NM_001128849.3, NM_001128847.4 and 5 more transcripts).
Identifiers: ClinVar variation 1536862 (VCV001536862.9), dbSNP rs773398960, ClinGen allele CA9204290.
Genomic context (GRCh38, chr19:11,024,319, plus strand): 5'-GCTGGGTTCGGATGGGGGGAGTCAGGCCTCAAGCCACCTTGGGCCCTCGTGAGCATTATG[T>C]GTCCCCTGCAGGTGGAGTACGTCATCAAGTGCGACATGTCTGCGCTGCAGCGAGTGCTCT-3'